The following is an entry in ClinVar:

ClinVar aggregate classification (germline): Uncertain significance. Review status: criteria provided, multiple submitters, no conflicts (2 of 4 stars). 2 submissions from 2 submitters: Uncertain significance (2). Last evaluated 2025-03-10.

Conditions:
Inborn genetic diseases. Identifiers: MedGen C0950123, MeSH D030342.

Allele frequency attached by ClinVar (database versions not stated): ExAC 0.00002; gnomAD exomes 0.00006; TOPMed 0.00007; ESP Exome Variant Server 0.00008; gnomAD 0.00009.

Submissions (2):

Ambry Genetics
Classification: Uncertain significance for Inborn genetic diseases. Last evaluated: 2025-03-10. Review status: criteria provided, single submitter. Criteria: Ambry Variant Classification Scheme 2023. Collection method: clinical testing. Allele origin: germline.

Labcorp Genetics (formerly Invitae), Labcorp
Classification: Uncertain significance. Last evaluated: 2024-07-24. Review status: criteria provided, single submitter. Criteria: Invitae Variant Classification Sherloc (09022015). Collection method: clinical testing. Allele origin: germline.
Comment: This sequence change replaces proline, which is neutral and non-polar, with serine, which is neutral and polar, at codon 383 of the DVL1 protein (p.Pro383Ser). This variant is present in population databases (rs138293356, gnomAD 0.01%). This variant has not been reported in the literature in individuals affected with DVL1-related conditions. ClinVar contains an entry for this variant (Variation ID: 2357987). Advanced modeling of protein sequence and biophysical properties (such as structural, functional, and spatial information, amino acid conservation, physicochemical variation, residue mobility, and thermodynamic stability) performed at Invitae indicates that this missense variant is not expected to disrupt DVL1 protein function with a negative predictive value of 80%. In summary, the available evidence is currently insufficient to determine the role of this variant in disease. Therefore, it has been classified as a Variant of Uncertain Significance.

NM_001330311.2(DVL1):c.1222C>T (p.Pro408Ser)

Gene: DVL1 (dishevelled segment polarity protein 1; minus strand). Cytogenetic location: 1p36.33.
Variant type: single nucleotide variant.
Coding change: c.1222C>T on transcript NM_001330311.2 (MANE Select); coding-DNA position 1222, C replaced by T.
Protein change: p.Pro408Ser; replaces proline 408 with serine.
Molecular consequence: missense variant.
Genome position (GRCh38, 1-based): chr1:1,338,639, G>A on the plus strand (C>T on the coding strand, the complement: DVL1 is on the minus strand). VCF-style: chr1-1338639-G-A. GRCh37 (hg19) VCF-style: chr1-1274019-G-A.
Other names: c.1147C>T, p.Pro383Ser (NM_004421.3); short protein forms P383S, P408S.
Identifiers: ClinVar variation 2357987 (VCV002357987.6), dbSNP rs138293356, ClinGen allele CA520177.
Genomic context (GRCh38, chr1:1,338,639, plus strand): 5'-CCGAGTCTGGCAGCTGCATGACCCGGACGACGGCGCTCATGTCACTCTTCACCGTCAGCG[G>A]CGCCTCTTCCAGCTCTGCAAAGCACAGACAGCCCCGCTTCAGCCCCAGCATCTGAAGGCG-3'
Protein context (NP_001317240.1, residues 398-418): VPGAPQLEEA[Pro408Ser]LTVKSDMSAV